The following is an entry in ClinVar:

ClinVar aggregate classification (germline): Uncertain significance (1 of 4 stars; one submission).

Allele frequency attached by ClinVar (database versions not stated): gnomAD exomes below 0.00001.
gnomAD v4.1: 1 of 1,614,156 alleles (0.000062%); highest among the groups gnomAD compares: African/African-American, 0.0013%; no homozygotes.

Submission:

GeneDx
Classification: Uncertain significance. Last evaluated: 2022-09-15. Review status: criteria provided, single submitter. Criteria: GeneDx Variant Classification Process June 2021. Collection method: clinical testing. Allele origin: germline. Affected: yes.
Comment: Not observed at significant frequency in large population cohorts (gnomAD); In silico analysis supports that this missense variant has a deleterious effect on protein structure/function; Has not been previously published as pathogenic or benign to our knowledge

NM_015662.3(IFT172):c.1139G>A (p.Gly380Glu)

Gene: IFT172 (intraflagellar transport 172; minus strand). Cytogenetic location: 2p23.3.
Variant type: single nucleotide variant.
Coding change: c.1139G>A on transcript NM_015662.3 (MANE Select); coding-DNA position 1139, G replaced by A.
Protein change: p.Gly380Glu; replaces glycine 380 with glutamic acid.
Molecular consequence: missense variant.
Genome position (GRCh38, 1-based): chr2:27,478,023, C>T on the plus strand (G>A on the coding strand, the complement: IFT172 is on the minus strand). VCF-style: chr2-27478023-C-T. GRCh37 (hg19) VCF-style: chr2-27700890-C-T.
Other names: c.1139G>A, p.Gly380Glu (NM_001410739.1); short protein forms G380E.
Identifiers: ClinVar variation 2444738 (VCV002444738.1), dbSNP rs765740203, ClinGen allele CA346394928.